The following is an entry in ClinVar:

NM_000059.4(BRCA2):c.3895del (p.Glu1299fs)

Gene: BRCA2 (BRCA2 DNA repair associated; plus strand). Cytogenetic location: 13q13.1.
Variant type: Deletion.
Coding change: c.3895del on transcript NM_000059.4 (MANE Select); coding-DNA position 3895, one base deleted (G; older notation c.3895delG).
Protein change: p.Glu1299fs; shifts the reading frame from glutamic acid 1299.
Molecular consequence: frameshift variant.
Genome position (GRCh38, 1-based): chr13:32,338,250, G deleted. VCF-style (leftmost placement, unchanged base first): chr13-32338249-TG-T. GRCh37 (hg19) VCF-style: chr13-32912386-TG-T.
Other names: c.3895delG (NM_000059.3); short protein forms E1299fs.
Identifiers: ClinVar variation 1421236 (VCV001421236.7), dbSNP rs2137501022, ClinGen allele CA2573149352.

ClinVar aggregate classification (germline): Pathogenic. Review status: criteria provided, multiple submitters, no conflicts (2 of 4 stars). 2 submissions from 2 submitters: Pathogenic (2). Last evaluated 2024-08-30.

Conditions:
Hereditary cancer-predisposing syndrome. Also called: Neoplastic Syndromes, Hereditary; Hereditary Cancer Syndrome; Hereditary neoplastic syndrome; Tumor predisposition. Identifiers: Orphanet 140162, MedGen C0027672, MeSH D009386, MONDO:0015356.
Hereditary breast ovarian cancer syndrome. Also called: Hereditary breast and/or ovarian cancer syndrome; BRCA1- and BRCA2-Associated Hereditary Breast and Ovarian Cancer; Hereditary breast and ovarian cancer syndrome; Hereditary breast and ovarian cancer; Hereditary breast and ovarian cancer syndrome (HBOC); Breast and ovarian cancer. Identifiers: Orphanet 145, MedGen C0677776, MeSH D061325, MONDO:0003582. Disease mechanism: loss of function.

Submissions (2):

Ambry Genetics
Classification: Pathogenic for Hereditary cancer-predisposing syndrome. Last evaluated: 2024-08-30. Review status: criteria provided, single submitter. Criteria: Ambry Variant Classification Scheme 2023. Collection method: clinical testing. Allele origin: germline.
Comment: The c.3895delG pathogenic mutation, located in coding exon 10 of the BRCA2 gene, results from a deletion of one nucleotide at nucleotide position 3895, causing a translational frameshift with a predicted alternate stop codon (p.E1299Kfs*2). This variant is considered to be rare based on population cohorts in the Genome Aggregation Database (gnomAD). This alteration is expected to result in loss of function by premature protein truncation or nonsense-mediated mRNA decay. As such, this alteration is interpreted as a disease-causing mutation.

Labcorp Genetics (formerly Invitae), Labcorp
Classification: Pathogenic for Hereditary breast ovarian cancer syndrome. Last evaluated: 2021-10-23. Review status: criteria provided, single submitter. Criteria: Invitae Variant Classification Sherloc (09022015). Collection method: clinical testing. Allele origin: germline.
Comment: This sequence change creates a premature translational stop signal (p.Glu1299Lysfs*2) in the BRCA2 gene. It is expected to result in an absent or disrupted protein product. Loss-of-function variants in BRCA2 are known to be pathogenic (PMID: 20104584). For these reasons, this variant has been classified as Pathogenic. This variant has not been reported in the literature in individuals affected with BRCA2-related conditions. This variant is not present in population databases (gnomAD no frequency).

Literature cited by the submitters: PubMed 20104584 (cited by Labcorp Genetics (formerly Invitae), Labcorp).